The following is an entry in ClinVar:

NM_007126.5(VCP):c.79A>G (p.Ile27Val)

Gene: VCP (valosin containing protein; minus strand). Cytogenetic location: 9p13.3.
Variant type: single nucleotide variant.
Coding change: c.79A>G on transcript NM_007126.5 (MANE Select); coding-DNA position 79, A replaced by G.
Protein change: p.Ile27Val; replaces isoleucine 27 with valine.
Molecular consequence: missense variant. On other transcripts: 5 prime UTR variant (2).
Genome position (GRCh38, 1-based): chr9:35,068,301, T>C on the plus strand (A>G on the coding strand, the complement: VCP is on the minus strand). VCF-style: chr9-35068301-T-C. GRCh37 (hg19) VCF-style: chr9-35068298-T-C.
Other names: p.Ile27Val; c.-57A>G (NM_001354927.2, NM_001354928.2); short protein forms I27V.
Identifiers: ClinVar variation 284302 (VCV000284302.31), dbSNP rs140913250, ClinGen allele CA5039558.

ClinVar aggregate classification (germline): Benign/Likely benign. Review status: criteria provided, multiple submitters, no conflicts (2 of 4 stars). 12 submissions from 11 submitters: Benign (7); Likely benign (3). 2 of the submissions do not count toward it. Last evaluated 2026-04-01.

Conditions:
VCP-related disorder. Also called: VCP-related disorders; VCP-related condition.
Inclusion body myopathy with Paget disease of bone and frontotemporal dementia. Also called: Inclusion body myopathy with early-onset Paget disease and frontotemporal dementia. Identifiers: Orphanet 52430, MedGen C1833662, MONDO:0000507.
Frontotemporal dementia and/or amyotrophic lateral sclerosis 6 (FTDALS6). Also called: VCP-Related Amyotrophic Lateral Sclerosis/Frontotemporal Dementia; VCP-Related Amyotrophic Lateral Sclerosis. Identifiers: Orphanet 275872, Orphanet 803, MedGen C5436279, MONDO:0013501, OMIM 613954.
Inborn genetic diseases. Identifiers: MedGen C0950123, MeSH D030342.
Inclusion body myopathy with Paget disease of bone and frontotemporal dementia type 1. Also called: Inclusion body myopathy with early-onset Paget disease and frontotemporal dementia 1; MULTISYSTEM PROTEINOPATHY 1; Inclusion body myopathy with early-onset Paget disease with or without frontotemporal dementia 1. Identifiers: MedGen C4551951, MONDO:0008178, OMIM 167320.
Intellectual disability. Also called: Intellectual functioning disability; intellectual disabilities; Intellectual developmental disorder. Identifiers: MedGen C3714756, MeSH D008607, MONDO:0001071, HP:0001249.

Allele frequency attached by ClinVar (database versions not stated): gnomAD exomes 0.00025 and 0.00055; ExAC 0.00054; ESP Exome Variant Server 0.00092; 1000 Genomes Project 30x 0.00094; 1000 Genomes Project 0.00100; gnomAD 0.00142 and 0.00151; TOPMed 0.00158.
gnomAD v4.1: 612 of 1,614,196 alleles (0.038%); highest among the groups gnomAD compares: African/African-American, 0.36%; no homozygotes.

Submissions (12):

CeGaT Center for Human Genetics Tuebingen
Classification: Likely benign. Last evaluated: 2026-04-01. Review status: criteria provided, single submitter. Criteria: CeGaT Center For Human Genetics Tuebingen Variant Classification Criteria Version 2. Collection method: clinical testing. Allele origin: germline. Affected: yes. Observed: 1 variant allele.
Comment: VCP: PP2, BS1

Labcorp Genetics (formerly Invitae), Labcorp
Classification: Benign for Inclusion body myopathy with Paget disease of bone and frontotemporal dementia; Frontotemporal dementia and/or amyotrophic lateral sclerosis 6. Last evaluated: 2026-01-18. Review status: criteria provided, single submitter. Criteria: Invitae Variant Classification Sherloc (09022015). Collection method: clinical testing. Allele origin: germline.

Mayo Clinic Laboratories, Mayo Clinic
Classification: Benign. Last evaluated: 2025-01-06. Review status: criteria provided, single submitter. Criteria: ACMG Guidelines, 2015. Collection method: clinical testing. Allele origin: germline. Observed: 4 variant alleles.
Comment: BS1, BS2, BP4

Blueprint Genetics
Classification: Likely benign. Last evaluated: 2024-05-29. Review status: criteria provided, single submitter. Criteria: ACMG Guidelines, 2015. Collection method: clinical testing. Allele origin: germline.

GeneDx
Classification: Benign. Last evaluated: 2021-01-18. Review status: criteria provided, single submitter. Criteria: GeneDx Variant Classification Process June 2021. Collection method: clinical testing. Allele origin: germline. Affected: yes.
Comment: This variant is associated with the following publications: (PMID: 30279455, 28430856, 21387114, 21920633, 25617006, 28542158, 31996268)

Ambry Genetics
Classification: Likely benign for Inborn genetic diseases. Last evaluated: 2020-05-20. Review status: criteria provided, single submitter. Criteria: Ambry Variant Classification Scheme 2023. Collection method: clinical testing. Allele origin: germline.

Illumina Laboratory Services, Illumina
Classification: Benign for Frontotemporal dementia and/or amyotrophic lateral sclerosis 6. Last evaluated: 2017-04-27. Review status: criteria provided, single submitter. Criteria: ICSL Variant Classification Criteria 13 December 2019. Collection method: clinical testing. Allele origin: germline.
Comment: This variant was observed as part of a predisposition screen in an ostensibly healthy population. A literature search was performed for the gene, cDNA change, and amino acid change (where applicable). No publications were found based on this search. Allele frequency data from public databases was too high to be consistent with this variant causing disease. Therefore, this variant is classified as benign.

Illumina Laboratory Services, Illumina
Classification: Benign for Inclusion body myopathy with Paget disease of bone and frontotemporal dementia type 1. Last evaluated: 2017-04-27. Review status: criteria provided, single submitter. Criteria: ICSL Variant Classification Criteria 13 December 2019. Collection method: clinical testing. Allele origin: germline.
Comment: This variant was observed as part of a predisposition screen in an ostensibly healthy population. A literature search was performed for the gene, cDNA change, and amino acid change (where applicable). Publications were found based on this search. The evidence from the literature, in combination with allele frequency data from public databases where available, was sufficient to rule this variant out of causing disease. Therefore, this variant is classified as benign.

Eurofins Ntd Llc (ga)
Classification: Benign. Last evaluated: 2017-04-19. Review status: criteria provided, single submitter. Criteria: EGL Classification Definitions 2015. Collection method: clinical testing. Allele origin: germline. Observed: 2 variant alleles, 2 heterozygotes.

Breakthrough Genomics
Classification: Benign. Review status: criteria provided, single submitter. Criteria: ACMG Guidelines, 2015. Collection method: not provided. Allele origin: germline. Inheritance: Autosomal dominant inheritance. Affected: yes.

PreventionGenetics, part of Exact Sciences
Classification: Likely benign for VCP-related condition. Last evaluated: 2021-11-12. Review status: no assertion criteria provided. Collection method: clinical testing. Allele origin: germline. Not counted in ClinVar's aggregate classification.
Comment: This variant is classified as likely benign based on ACMG/AMP sequence variant interpretation guidelines (Richards et al. 2015 PMID: 25741868, with internal and published modifications).

Centre de Biologie Pathologie Génétique, Centre Hospitalier Universitaire de Lille
Classification: Uncertain significance for Intellectual disability. Last evaluated: 2019-01-01. Review status: no assertion criteria provided. Collection method: clinical testing. Allele origin: unknown. Affected: yes. Not counted in ClinVar's aggregate classification.

Literature cited by the submitters: PubMed 21387114 (cited by Mayo Clinic Laboratories, Mayo Clinic and Illumina Laboratory Services, Illumina); PubMed 21920633 (cited by Mayo Clinic Laboratories, Mayo Clinic and Illumina Laboratory Services, Illumina); PubMed 25617006 (cited by 3 submitters); PubMed 28430856 (cited by Mayo Clinic Laboratories, Mayo Clinic); PubMed 28542158 (cited by Mayo Clinic Laboratories, Mayo Clinic); PubMed 28889094 (cited by Mayo Clinic Laboratories, Mayo Clinic); PubMed 30279455 (cited by Mayo Clinic Laboratories, Mayo Clinic); PubMed 31996268 (cited by Mayo Clinic Laboratories, Mayo Clinic).